The following is an entry in ClinVar:

ClinVar aggregate classification (germline): Uncertain significance. Review status: criteria provided, multiple submitters, no conflicts (2 of 4 stars). 2 submissions from 2 submitters: Uncertain significance (2). Last evaluated 2025-06-18.

Conditions:
Familial thoracic aortic aneurysm and aortic dissection (TAAD). Also called: Thoracic aortic aneurysms and dissections. Identifiers: Orphanet 91387, MedGen C4707243, MONDO:0019625.
Adams-Oliver syndrome 5 (AOS5). Identifiers: Orphanet 974, MedGen C4014970, MONDO:0014459, OMIM 616028.

gnomAD v4.1: 2 of 1,609,336 alleles (0.00012%); highest among the groups gnomAD compares: South Asian, 0.0011%; no homozygotes.

Submissions (2):

Ambry Genetics
Classification: Uncertain significance for Familial thoracic aortic aneurysm and aortic dissection. Last evaluated: 2025-06-18. Review status: criteria provided, single submitter. Criteria: Ambry Variant Classification Scheme 2023. Collection method: clinical testing. Allele origin: germline.

Labcorp Genetics (formerly Invitae), Labcorp
Classification: Uncertain significance for Adams-Oliver syndrome 5. Last evaluated: 2022-07-09. Review status: criteria provided, single submitter. Criteria: Invitae Variant Classification Sherloc (09022015). Collection method: clinical testing. Allele origin: germline.
Comment: In summary, the available evidence is currently insufficient to determine the role of this variant in disease. Therefore, it has been classified as a Variant of Uncertain Significance. Advanced modeling of protein sequence and biophysical properties (such as structural, functional, and spatial information, amino acid conservation, physicochemical variation, residue mobility, and thermodynamic stability) performed at Invitae indicates that this missense variant is not expected to disrupt NOTCH1 protein function. This variant has not been reported in the literature in individuals affected with NOTCH1-related conditions. This variant is not present in population databases (gnomAD no frequency). This sequence change replaces threonine, which is neutral and polar, with isoleucine, which is neutral and non-polar, at codon 2541 of the NOTCH1 protein (p.Thr2541Ile).

NM_017617.5(NOTCH1):c.7622C>T (p.Thr2541Ile)

Gene: NOTCH1 (notch receptor 1; minus strand). Cytogenetic location: 9q34.3.
Variant type: single nucleotide variant.
Coding change: c.7622C>T on transcript NM_017617.5 (MANE Select); coding-DNA position 7622, C replaced by T.
Protein change: p.Thr2541Ile; replaces threonine 2541 with isoleucine.
Molecular consequence: missense variant.
Genome position (GRCh38, 1-based): chr9:136,496,117, G>A on the plus strand (C>T on the coding strand, the complement: NOTCH1 is on the minus strand). VCF-style: chr9-136496117-G-A. GRCh37 (hg19) VCF-style: chr9-139390569-G-A.
Other names: c.7622C>T (NM_017617.3); short protein forms T2541I.
Identifiers: ClinVar variation 2015332 (VCV002015332.5), dbSNP rs2133313833, ClinGen allele CA375625799.
Genomic context (GRCh38, chr9:136,496,117, plus strand): 5'-GTGGGGCGCGCCGTTTACTTGAAGGCCTCCGGAATGCGGGCGATCTGGGACTGCATGCTG[G>A]TGGGAGGGCTGGAGACGCCCTCGGACCAGTCGGAGACGTTGGAATGCGGGGACGAGCTGG-3'
Protein context (NP_060087.3, residues 2531-2551): DWSEGVSSPP[Thr2541Ile]SMQSQIARIP